The following is an entry in ClinVar:

ClinVar aggregate classification (germline): Uncertain significance (1 of 4 stars; one submission).

Conditions:
Nemaline myopathy 2 (NEM2). Also called: Nemaline myopathy 2, autosomal recessive. Identifiers: MedGen C1850569, MONDO:0009725, OMIM 256030.

Submission:

Labcorp Genetics (formerly Invitae), Labcorp
Classification: Uncertain significance for Nemaline myopathy 2. Last evaluated: 2025-10-01. Review status: criteria provided, single submitter. Criteria: Invitae Variant Classification Sherloc (09022015). Collection method: clinical testing. Allele origin: germline.
Comment: This sequence change replaces methionine, which is neutral and non-polar, with valine, which is neutral and non-polar, at codon 6768 of the NEB protein (p.Met6768Val). This variant is not present in population databases (gnomAD no frequency). This variant has not been reported in the literature in individuals affected with NEB-related conditions. ClinVar contains an entry for this variant (Variation ID: 1514472). Experimental studies and prediction algorithms are not available or were not evaluated, and the functional significance of this variant is currently unknown. In summary, the available evidence is currently insufficient to determine the role of this variant in disease. Therefore, it has been classified as a Variant of Uncertain Significance.

NM_001164508.2(NEB):c.20302A>G (p.Met6768Val)

Gene: NEB (nebulin; minus strand). Cytogenetic location: 2q23.3.
Variant type: single nucleotide variant.
Coding change: c.20302A>G on transcript NM_001164508.2 (MANE Select); coding-DNA position 20302, A replaced by G.
Protein change: p.Met6768Val; replaces methionine 6768 with valine.
Molecular consequence: missense variant.
Genome position (GRCh38, 1-based): chr2:151,547,494, T>C on the plus strand (A>G on the coding strand, the complement: NEB is on the minus strand). VCF-style: chr2-151547494-T-C. GRCh37 (hg19) VCF-style: chr2-152404008-T-C.
Other names: c.20302A>G, p.Met6768Val (NM_001164507.2, NM_001271208.2); c.15199A>G, p.Met5067Val (NM_004543.5); short protein forms M6768V, M5067V.
Identifiers: ClinVar variation 1514472 (VCV001514472.4), dbSNP rs780579848, ClinGen allele CA57643727.
Genomic context (GRCh38, chr2:151,547,494, plus strand): 5'-TGGTGATGTCTCCCACATAGCGGCAATGGATCACTTGGGGTGTGTATGGCAGAGAGATCA[T>C]GTGGCCCTGCATCTTGAAGAAGTCTGATTTGTAGATCAACTAAAGAAAAAAAAATACCCC-3'
Protein context (NP_001157980.2, residues 6758-6778): KSDFFKMQGH[Met6768Val]ISLPYTPQVI